The following is an entry in ClinVar:

NM_025099.6(CTC1):c.1A>T (p.Met1Leu)

Genes: CTC1 (CST telomere replication complex component 1; minus strand), PFAS (phosphoribosylformylglycinamidine synthase; plus strand). Cytogenetic location: 17p13.1.
Variant type: single nucleotide variant.
Coding change: c.1A>T on transcript NM_025099.6 (MANE Select); coding-DNA position 1, A replaced by T.
Protein change: p.Met1Leu; changes the start codon (methionine 1).
Molecular consequence: missense variant, initiator codon variant. On other transcripts: non-coding transcript variant (1).
Genome position (GRCh38, 1-based): chr17:8,248,036, T>A on the plus strand (A>T on the coding strand, the complement: CTC1 is on the minus strand). VCF-style: chr17-8248036-T-A. GRCh37 (hg19) VCF-style: chr17-8151354-T-A.
Other names: c.1A>T, p.Met1Leu (NM_001411067.1); short protein forms M1L.
Identifiers: ClinVar variation 2884157 (VCV002884157.5), dbSNP rs779499831, ClinGen allele CA8372775.

ClinVar aggregate classification (germline): Conflicting classifications of pathogenicity. Review status: criteria provided, conflicting classifications (1 of 4 stars). 3 submissions from 3 submitters: Pathogenic (1); Likely pathogenic (1); Uncertain significance (1). Last evaluated 2025-11-01.

Conditions:
CTC1-related disorder. Also called: CTC1-related condition.
Dyskeratosis congenita. Identifiers: Orphanet 1775, MedGen C0265965, MONDO:0015780.
Retinal disorder. Also called: Retinopathy; Retinopathies; Retinal Diseases; Retinal disorders. Identifiers: MedGen C0035309, MONDO:0005283, HP:0000488.

Submissions (3):

Labcorp Genetics (formerly Invitae), Labcorp
Classification: Pathogenic for Dyskeratosis congenita. Last evaluated: 2025-11-01. Review status: criteria provided, single submitter. Criteria: Invitae Variant Classification Sherloc (09022015). Collection method: clinical testing. Allele origin: germline.
Comment: This sequence change affects the initiator codon of the CTC1 mRNA. This change may impact translation initiation or efficiency. The next in-frame methionine is located at codon 300. This variant is present in population databases (rs779499831, gnomAD 0.003%). This variant has not been reported in the literature in individuals affected with CTC1-related conditions. ClinVar contains an entry for this variant (Variation ID: 2884157). This variant disrupts a region of the CTC1 protein in which other variant(s) (p.Ala227Val) have been determined to be pathogenic (PMID: 22387016, 24115768, 29481669). This suggests that this is a clinically significant region of the protein, and that variants that disrupt it are likely to be disease-causing. For these reasons, this variant has been classified as Pathogenic.

Genetics Laboratory, Great Ormond Street Hospital NHS Foundation Trust, North Thames Genomic Laboratory Hub
Classification: Uncertain significance for Retinal disorders. Last evaluated: 2025-10-27. Review status: criteria provided, single submitter. Criteria: ACGS Best Practice Guidelines for Variant Classification in Rare Disease 2024 v1.2. Collection method: clinical testing. Allele origin: germline. Affected: yes.
Comment: PM2_moderate, PVS1_moderate

Blueprint Genetics
Classification: Likely pathogenic for CTC1-related disorders. Last evaluated: 2022-07-15. Review status: criteria provided, single submitter. Criteria: ACMG Guidelines, 2015. Collection method: clinical testing. Allele origin: germline. Affected: yes. Observed: 2 variant alleles.

Literature cited by the submitters: PubMed 22387016 (cited by Labcorp Genetics (formerly Invitae), Labcorp); PubMed 24115768 (cited by Labcorp Genetics (formerly Invitae), Labcorp); PubMed 29481669 (cited by Labcorp Genetics (formerly Invitae), Labcorp).